The following is an entry in ClinVar:

NM_001008537.3(NEXMIF):c.2508T>G (p.His836Gln)

Gene: NEXMIF (neurite extension and migration factor; minus strand). Cytogenetic location: Xq13.3.
Variant type: single nucleotide variant.
Coding change: c.2508T>G on transcript NM_001008537.3 (MANE Select); coding-DNA position 2508, T replaced by G.
Protein change: p.His836Gln; replaces histidine 836 with glutamine.
Molecular consequence: missense variant.
Genome position (GRCh38, 1-based): chrX:74,742,049, A>C on the plus strand (T>G on the coding strand, the complement: NEXMIF is on the minus strand). VCF-style: chrX-74742049-A-C. GRCh37 (hg19) VCF-style: chrX-73961884-A-C.
Other names: short protein forms H836Q.
Identifiers: ClinVar variation 574171 (VCV000574171.12), dbSNP rs1342098183, ClinGen allele CA413668065.

ClinVar aggregate classification (germline): Conflicting classifications of pathogenicity. Review status: criteria provided, conflicting classifications (1 of 4 stars). 3 submissions from 3 submitters: Uncertain significance (2); Likely benign (1). Last evaluated 2024-02-10.

Conditions:
X-linked intellectual disability, Cantagrel type (XLID98). Also called: INTELLECTUAL DEVELOPMENTAL DISORDER, X-LINKED 98. Identifiers: Orphanet 85277, MedGen C3806730, MONDO:0010483, OMIM 300912.

Allele frequency attached by ClinVar (database versions not stated): gnomAD exomes 0.00001; TOPMed 0.00001.
gnomAD v4.1: 5 of 1,212,005 alleles (0.00041%); highest among the groups gnomAD compares: Non-Finnish European, 0.00056%; no homozygotes.

Submissions (3):

Labcorp Genetics (formerly Invitae), Labcorp
Classification: Uncertain significance. Last evaluated: 2024-02-10. Review status: criteria provided, single submitter. Criteria: Invitae Variant Classification Sherloc (09022015). Collection method: clinical testing. Allele origin: germline.
Comment: This sequence change replaces histidine, which is basic and polar, with glutamine, which is neutral and polar, at codon 836 of the NEXMIF protein (p.His836Gln). This variant is present in population databases (no rsID available, gnomAD 0.003%), including at least one homozygous and/or hemizygous individual. This variant has not been reported in the literature in individuals affected with NEXMIF-related conditions. ClinVar contains an entry for this variant (Variation ID: 574171). Algorithms developed to predict the effect of missense changes on protein structure and function output the following: SIFT: "Not Available"; PolyPhen-2: "Benign"; Align-GVGD: "Not Available". The glutamine amino acid residue is found in multiple mammalian species, which suggests that this missense change does not adversely affect protein function. In summary, the available evidence is currently insufficient to determine the role of this variant in disease. Therefore, it has been classified as a Variant of Uncertain Significance.

Blueprint Genetics
Classification: Likely benign. Last evaluated: 2022-10-27. Review status: criteria provided, single submitter. Criteria: ACMG Guidelines, 2015. Collection method: clinical testing. Allele origin: germline.

Fulgent Genetics
Classification: Uncertain significance for X-linked intellectual disability, Cantagrel type. Last evaluated: 2021-11-17. Review status: criteria provided, single submitter. Criteria: ACMG Guidelines, 2015. Collection method: clinical testing. Allele origin: unknown.